The following is an entry in ClinVar:

NM_001077350.3(NPRL3):c.188+5A>C

Genes: HBA-LCR (alpha-globin locus control region; plus strand), NPRL3 (NPR3 like, GATOR1 complex subunit; minus strand). Cytogenetic location: 16p13.3.
Variant type: single nucleotide variant.
Coding change: c.188+5A>C on transcript NM_001077350.3 (MANE Select); 5 bases into the intron after coding-DNA position 188, A replaced by C.
Molecular consequence: intron variant.
Genome position (GRCh38, 1-based): chr16:130,517, T>G on the plus strand (A>C on the coding strand, the complement: NPRL3 is on the minus strand). VCF-style: chr16-130517-T-G. GRCh37 (hg19) VCF-style: chr16-180516-T-G.
Other names: c.-184+5A>C (NM_001243247.2); c.188+5A>C (NM_001243248.2, NM_001243249.2); c.-145+5A>C (NM_001039476.3).
Identifiers: ClinVar variation 2707566 (VCV002707566.3), dbSNP rs777249248, ClinGen allele CA2630736865.

ClinVar aggregate classification (germline): Uncertain significance (1 of 4 stars; one submission).

Conditions:
Epilepsy, familial focal, with variable foci 3 (FFEVF3). Identifiers: MedGen C4310708, MONDO:0014925, OMIM 617118.

gnomAD v4.1: 2 of 1,550,470 alleles (0.00013%); highest among the groups gnomAD compares: Non-Finnish European, 0.000087%; no homozygotes.

Submission:

Labcorp Genetics (formerly Invitae), Labcorp
Classification: Uncertain significance for Epilepsy, familial focal, with variable foci 3. Last evaluated: 2024-01-04. Review status: criteria provided, single submitter. Criteria: Invitae Variant Classification Sherloc (09022015). Collection method: clinical testing. Allele origin: germline.
Comment: This sequence change falls in intron 3 of the NPRL3 gene. It does not directly change the encoded amino acid sequence of the NPRL3 protein. It affects a nucleotide within the consensus splice site. This variant is not present in population databases (gnomAD no frequency). This variant has not been reported in the literature in individuals affected with NPRL3-related conditions. Variants that disrupt the consensus splice site are a relatively common cause of aberrant splicing (PMID: 17576681, 9536098). Algorithms developed to predict the effect of sequence changes on RNA splicing suggest that this variant is not likely to affect RNA splicing. In summary, the available evidence is currently insufficient to determine the role of this variant in disease. Therefore, it has been classified as a Variant of Uncertain Significance.

Literature cited by the submitters: PubMed 17576681; PubMed 9536098.